The following is an entry in ClinVar:

NM_015662.3(IFT172):c.3453C>A (p.Phe1151Leu)

Gene: IFT172 (intraflagellar transport 172; minus strand). Cytogenetic location: 2p23.3.
Variant type: single nucleotide variant.
Coding change: c.3453C>A on transcript NM_015662.3 (MANE Select); coding-DNA position 3453, C replaced by A.
Protein change: p.Phe1151Leu; replaces phenylalanine 1151 with leucine.
Molecular consequence: missense variant.
Genome position (GRCh38, 1-based): chr2:27,454,579, G>T on the plus strand (C>A on the coding strand, the complement: IFT172 is on the minus strand). VCF-style: chr2-27454579-G-T. GRCh37 (hg19) VCF-style: chr2-27677446-G-T.
Other names: c.3387C>A, p.Phe1129Leu (NM_001410739.1); short protein forms F1129L, F1151L.
Identifiers: ClinVar variation 3353180 (VCV003353180.2).
Genomic context (GRCh38, chr2:27,454,579, plus strand): 5'-GGATGGAATAAGAGGGCTCTGCGGTCGGGGTCCAAATCACACCCATACCTCATCCTCCAG[G>T]AACATAGCATATTTGAGATGAACCTCGGGGGTTTTGTGCTTGAGGGCCAGCCGAGAGAGT-3'
Protein context (NP_056477.1, residues 1141-1161): TPEVHLKYAM[Phe1151Leu]LEDEGKFEEA

ClinVar aggregate classification (germline): Uncertain significance. Review status: criteria provided, single submitter (1 of 4 stars). 2 submissions from 2 submitters: Uncertain significance (1). 1 of the submissions does not count toward it. Last evaluated 2020-08-14.

Conditions:
IFT172-related disorder. Also called: IFT172-related condition; IFT172-related disorders.

gnomAD v4.1: 5 of 1,614,058 alleles (0.00031%); highest among the groups gnomAD compares: African/African-American, 0.0067%; no homozygotes.

Submissions (2):

Blueprint Genetics
Classification: Uncertain significance. Last evaluated: 2020-08-14. Review status: criteria provided, single submitter. Criteria: ACMG Guidelines, 2015. Collection method: clinical testing. Allele origin: germline.

PreventionGenetics, part of Exact Sciences
Classification: Uncertain significance for IFT172-related condition. Last evaluated: 2024-04-11. Review status: no assertion criteria provided. Collection method: clinical testing. Allele origin: germline. Not counted in ClinVar's aggregate classification.
Comment: The IFT172 c.3453C>A variant is predicted to result in the amino acid substitution p.Phe1151Leu. To our knowledge, this variant has not been reported in the literature. This variant is reported in 0.0080% of alleles in individuals of African descent in gnomAD. At this time, the clinical significance of this variant is uncertain due to the absence of conclusive functional and genetic evidence.